The following is an entry in ClinVar:

NM_001128126.3(AP4S1):c.306+2937_306+2938del

Gene: AP4S1 (adaptor related protein complex 4 subunit sigma 1; plus strand). Cytogenetic location: 14q12.
Variant type: Deletion.
Coding change: c.306+2937_306+2938del on transcript NM_001128126.3 (MANE Select); bases 2937 to 2938 of the intron after coding-DNA position 306, 2 bases deleted (TT; older notation c.306+2937_306+2938delTT).
Molecular consequence: intron variant.
Genome position (GRCh38, 1-based): chr14:31,083,521-31,083,522, TT deleted; deleting any 2 consecutive bases within chr14:31,083,497-31,083,522 gives the same sequence; the c. name uses the placement nearest the transcript's 3' end. VCF-style (leftmost placement, unchanged base first): chr14-31083496-CTT-C. GRCh37 (hg19) VCF-style: chr14-31552702-CTT-C.
Other names: c.306+2937_306+2938del (NM_001254729.2, NM_001254728.2); c.367-5_367-4del (NM_001254727.2); c.367-1248_367-1247del (NM_007077.5); c.295-1248_295-1247del (NM_001254726.2).
Identifiers: ClinVar variation 4984986 (VCV004984986.1).

ClinVar aggregate classification (germline): Likely benign (1 of 4 stars; one submission).

Conditions:
AP4S1-related disorder.

Submission:

PreventionGenetics, part of Exact Sciences
Classification: Likely benign for AP4S1-related condition. Last evaluated: 2025-05-01. Review status: criteria provided, single submitter. Criteria: ACMG Guidelines, 2015. Collection method: clinical testing. Allele origin: germline.
Comment: This variant is classified as likely benign based on ACMG/AMP sequence variant interpretation guidelines (Richards et al. 2015 PMID: 25741868, with internal and published modifications).